The following is an entry in ClinVar:

NM_000355.4(TCN2):c.175C>T (p.Arg59Cys)

Gene: TCN2 (transcobalamin 2; plus strand). Cytogenetic location: 22q12.2.
Variant type: single nucleotide variant.
Coding change: c.175C>T on transcript NM_000355.4 (MANE Select); coding-DNA position 175, C replaced by T.
Protein change: p.Arg59Cys; replaces arginine 59 with cysteine.
Molecular consequence: missense variant.
Genome position (GRCh38, 1-based): chr22:30,610,981, C>T. VCF-style: chr22-30610981-C-T. GRCh37 (hg19) VCF-style: chr22-31006968-C-T.
Other names: c.175C>T, p.Arg59Cys (NM_001184726.2); short protein forms R59C.
Identifiers: ClinVar variation 460315 (VCV000460315.9), dbSNP rs757905563, ClinGen allele CA10184509.

ClinVar aggregate classification (germline): Uncertain significance. Review status: criteria provided, multiple submitters, no conflicts (2 of 4 stars). 2 submissions from 2 submitters: Uncertain significance (2). Last evaluated 2025-05-19.

Conditions:
Transcobalamin II deficiency (TCN2D). Also called: TC II DEFICIENCY; TCN2 DEFICIENCY; Transcolabamin II deficiency. Identifiers: Orphanet 859, MedGen C0342701, MONDO:0010149, OMIM 275350.

Allele frequency attached by ClinVar (database versions not stated): ExAC 0.00001; gnomAD 0.00001 and 0.00002; TOPMed 0.00001; gnomAD exomes 0.00002 and 0.00003.
gnomAD v4.1: 48 of 1,614,108 alleles (0.003%); highest among the groups gnomAD compares: South Asian, 0.0033%; no homozygotes.

Submissions (2):

Labcorp Genetics (formerly Invitae), Labcorp
Classification: Uncertain significance for Transcobalamin II deficiency. Last evaluated: 2025-05-19. Review status: criteria provided, single submitter. Criteria: Invitae Variant Classification Sherloc (09022015). Collection method: clinical testing. Allele origin: germline.
Comment: This sequence change replaces arginine, which is basic and polar, with cysteine, which is neutral and slightly polar, at codon 59 of the TCN2 protein (p.Arg59Cys). This variant is present in population databases (rs757905563, gnomAD 0.004%). This variant has not been reported in the literature in individuals affected with TCN2-related conditions. ClinVar contains an entry for this variant (Variation ID: 460315). Invitae Evidence Modeling of protein sequence and biophysical properties (such as structural, functional, and spatial information, amino acid conservation, physicochemical variation, residue mobility, and thermodynamic stability) indicates that this missense variant is expected to disrupt TCN2 protein function with a positive predictive value of 80%. In summary, the available evidence is currently insufficient to determine the role of this variant in disease. Therefore, it has been classified as a Variant of Uncertain Significance.

Blueprint Genetics
Classification: Uncertain significance. Last evaluated: 2021-06-17. Review status: criteria provided, single submitter. Criteria: ACMG Guidelines, 2015. Collection method: clinical testing. Allele origin: germline.